The following is an entry in ClinVar:

ClinVar aggregate classification (germline): Pathogenic (1 of 4 stars; one submission).

Submission:

ISCA site 15
Classification: Pathogenic. Last evaluated: 2011-08-12. Review status: criteria provided, single submitter. Criteria: Kaminsky et al. (Genet Med. 2011). Collection method: clinical testing. Allele origin: maternal. Affected: yes. Observed: 1 variant allele.
Comment: Copy number variation identified through the course of routine clinical cytogenomic testing in postnatal populations. Clinical assertions have been curated as described in Kaminsky et al. 2011.

GRCh37/hg19 17q12(chr17:34817422-36173763)x3

Genes: AATF (apoptosis antagonizing transcription factor; plus strand), ACACA (acetyl-CoA carboxylase alpha; minus strand), C17orf78 (chromosome 17 open reading frame 78; plus strand), DDX52 (DExD-box helicase 52; minus strand), DHRS11 (dehydrogenase/reductase 11; plus strand) and 25 more. Cytogenetic location: 17q12.
Variant type: copy number gain.
Change: copy number 3 (three copies instead of two) of chr17:34,817,422-36,173,763 (1.36 Mb, GRCh37 coordinates, 1-based), cytogenetic band 17q12.
Identifiers: ClinVar variation 58169 (VCV000058169.1).